The following is an entry in ClinVar:

ClinVar aggregate classification (germline): Pathogenic/Likely pathogenic. Review status: criteria provided, multiple submitters, no conflicts (2 of 4 stars). 4 submissions from 4 submitters: Pathogenic (3); Likely pathogenic (1). Last evaluated 2024-12-09.

Conditions:
Hereditary breast ovarian cancer syndrome. Also called: Hereditary breast and ovarian cancer syndrome; Breast and ovarian cancer; Hereditary breast and/or ovarian cancer syndrome; Hereditary breast and ovarian cancer; BRCA1- and BRCA2-Associated Hereditary Breast and Ovarian Cancer; Hereditary breast and ovarian cancer syndrome (HBOC). Identifiers: Orphanet 145, MedGen C0677776, MeSH D061325, MONDO:0003582. Disease mechanism: loss of function.
Familial cancer of breast. Also called: BREAST CANCER, FAMILIAL; Hereditary breast cancer; hereditary breast carcinoma. Identifiers: Orphanet 227535, MedGen C0346153, MONDO:0016419, OMIM 114480. Disease mechanism: loss of function.
Hereditary cancer-predisposing syndrome. Also called: Tumor predisposition; Neoplastic Syndromes, Hereditary; Hereditary neoplastic syndrome; Hereditary Cancer Syndrome. Identifiers: Orphanet 140162, MedGen C0027672, MeSH D009386, MONDO:0015356.

Submissions (4):

GeneDx
Classification: Pathogenic. Last evaluated: 2024-12-09. Review status: criteria provided, single submitter. Criteria: GeneDx Variant Classification Process June 2021. Collection method: clinical testing. Allele origin: germline. Affected: yes.
Comment: Frameshift variant predicted to result in protein truncation or nonsense mediated decay in a gene for which loss-of-function is a known mechanism of disease; Not observed at significant frequency in large population cohorts (gnomAD); Truncating variants in this gene are considered pathogenic by a well-established clinical consortium and/or database; Has not been previously published as pathogenic or benign to our knowledge; Also known as 365del

Baylor Genetics
Classification: Likely pathogenic for Familial cancer of breast. Last evaluated: 2022-11-25. Review status: criteria provided, single submitter. Criteria: ACMG Guidelines, 2015. Collection method: clinical testing. Allele origin: unknown.

Ambry Genetics
Classification: Pathogenic for Hereditary cancer-predisposing syndrome. Last evaluated: 2022-10-06. Review status: criteria provided, single submitter. Criteria: Ambry Variant Classification Scheme 2023. Collection method: clinical testing. Allele origin: germline.
Comment: The c.137delC pathogenic mutation, located in coding exon 2 of the BRCA2 gene, results from a deletion of one nucleotide at nucleotide position 137, causing a translational frameshift with a predicted alternate stop codon (p.P46Lfs*34). This variant is considered to be rare based on population cohorts in the Genome Aggregation Database (gnomAD). This alteration is expected to result in loss of function by premature protein truncation or nonsense-mediated mRNA decay. As such, this alteration is interpreted as a disease-causing mutation.

Labcorp Genetics (formerly Invitae), Labcorp
Classification: Pathogenic for Hereditary breast ovarian cancer syndrome. Last evaluated: 2019-02-14. Review status: criteria provided, single submitter. Criteria: Invitae Variant Classification Sherloc (09022015). Collection method: clinical testing. Allele origin: germline.
Comment: For these reasons, this variant has been classified as Pathogenic. Loss-of-function variants in BRCA2 are known to be pathogenic (PMID: 20104584). This variant has not been reported in the literature in individuals with BRCA2-related conditions. This variant is not present in population databases (ExAC no frequency). This sequence change creates a premature translational stop signal (p.Pro46Leufs*34) in the BRCA2 gene. It is expected to result in an absent or disrupted protein product.

Literature cited by the submitters: PubMed 20104584 (cited by Labcorp Genetics (formerly Invitae), Labcorp).

NM_000059.4(BRCA2):c.137del (p.Pro46fs)

Gene: BRCA2 (BRCA2 DNA repair associated; plus strand). Cytogenetic location: 13q13.1.
Variant type: Deletion.
Coding change: c.137del on transcript NM_000059.4 (MANE Select); coding-DNA position 137, one base deleted (C; older notation c.137delC).
Protein change: p.Pro46fs; shifts the reading frame from proline 46.
Molecular consequence: frameshift variant.
Genome position (GRCh38, 1-based): chr13:32,319,146, C deleted; the last of 2 consecutive C bases (chr13:32,319,145-32,319,146); deleting either gives the same sequence. VCF-style (leftmost placement, unchanged base first): chr13-32319144-AC-A. GRCh37 (hg19) VCF-style: chr13-32893281-AC-A.
Other names: c.137delC (NM_000059.3); short protein forms P46fs.
Identifiers: ClinVar variation 849543 (VCV000849543.12), dbSNP rs2072285588, ClinGen allele CA916080514.